The following is an entry in ClinVar:

ClinVar aggregate classification (germline): Uncertain significance. Review status: criteria provided, multiple submitters, no conflicts (2 of 4 stars). 2 submissions from 2 submitters: Uncertain significance (2). Last evaluated 2024-11-04.

Conditions:
Neurofibromatosis, type 1 (NF1). Also called: Peripheral type neurofibromatosis; VON RECKLINGHAUSEN DISEASE; NEUROFIBROMATOSIS, TYPE I, SOMATIC; Neurofibromatosis, type I. Identifiers: Orphanet 636, MedGen C0027831, MONDO:0018975, OMIM 162200. Disease mechanism: loss of function.
Cardiovascular phenotype. Identifiers: MedGen CN230736.
Hereditary cancer-predisposing syndrome. Also called: Neoplastic Syndromes, Hereditary; Tumor predisposition; Hereditary neoplastic syndrome; Hereditary Cancer Syndrome. Identifiers: Orphanet 140162, MedGen C0027672, MeSH D009386, MONDO:0015356.

Submissions (2):

Labcorp Genetics (formerly Invitae), Labcorp
Classification: Uncertain significance for Neurofibromatosis, type 1. Last evaluated: 2024-11-04. Review status: criteria provided, single submitter. Criteria: Invitae Variant Classification Sherloc (09022015). Collection method: clinical testing. Allele origin: germline.
Comment: This sequence change replaces aspartic acid, which is acidic and polar, with glutamic acid, which is acidic and polar, at codon 241 of the NF1 protein (p.Asp241Glu). This variant is not present in population databases (gnomAD no frequency). This variant has not been reported in the literature in individuals affected with NF1-related conditions. ClinVar contains an entry for this variant (Variation ID: 1757865). Invitae Evidence Modeling of protein sequence and biophysical properties (such as structural, functional, and spatial information, amino acid conservation, physicochemical variation, residue mobility, and thermodynamic stability) indicates that this missense variant is not expected to disrupt NF1 protein function with a negative predictive value of 95%. In summary, the available evidence is currently insufficient to determine the role of this variant in disease. Therefore, it has been classified as a Variant of Uncertain Significance.

Ambry Genetics
Classification: Uncertain significance for Cardiovascular phenotype; Hereditary cancer-predisposing syndrome. Last evaluated: 2022-02-22. Review status: criteria provided, single submitter. Criteria: Ambry Variant Classification Scheme 2023. Collection method: clinical testing. Allele origin: germline.
Comment: The p.D241E variant (also known as c.723T>A), located in coding exon 7 of the NF1 gene, results from a T to A substitution at nucleotide position 723. The aspartic acid at codon 241 is replaced by glutamic acid, an amino acid with highly similar properties. This amino acid position is conserved. In addition, the in silico prediction for this alteration is inconclusive. Since supporting evidence is limited at this time, the clinical significance of this alteration remains unclear.

NM_001042492.3(NF1):c.723T>A (p.Asp241Glu)

Gene: NF1 (neurofibromin 1; plus strand). Cytogenetic location: 17q11.2.
Variant type: single nucleotide variant.
Coding change: c.723T>A on transcript NM_001042492.3 (MANE Select); coding-DNA position 723, T replaced by A.
Protein change: p.Asp241Glu; replaces aspartic acid 241 with glutamic acid.
Molecular consequence: missense variant.
Genome position (GRCh38, 1-based): chr17:31,181,778, T>A. VCF-style: chr17-31181778-T-A. GRCh37 (hg19) VCF-style: chr17-29508796-T-A.
Other names: c.723T>A, p.Asp241Glu (NM_000267.4, NM_001128147.3); short protein forms D241E.
Identifiers: ClinVar variation 1757865 (VCV001757865.4), dbSNP rs2143778441, ClinGen allele CA398990199.